The following is an entry in ClinVar:

ClinVar aggregate classification (germline): Uncertain significance. Review status: criteria provided, multiple submitters, no conflicts (2 of 4 stars). 2 submissions from 2 submitters: Uncertain significance (2). Last evaluated 2023-02-10.

Conditions:
Inborn genetic diseases. Identifiers: MedGen C0950123, MeSH D030342.

Allele frequency attached by ClinVar (database versions not stated): TOPMed 0.00001.

Submissions (2):

GeneDx
Classification: Uncertain significance. Last evaluated: 2023-02-10. Review status: criteria provided, single submitter. Criteria: GeneDx Variant Classification Process June 2021. Collection method: clinical testing. Allele origin: germline. Affected: yes.
Comment: Not observed at significant frequency in large population cohorts (gnomAD); In silico analysis supports that this missense variant does not alter protein structure/function; Has not been previously published as pathogenic or benign to our knowledge

Ambry Genetics
Classification: Uncertain significance for Inborn genetic diseases. Last evaluated: 2020-10-12. Review status: criteria provided, single submitter. Criteria: Ambry Variant Classification Scheme 2023. Collection method: clinical testing. Allele origin: germline.
Comment: The c.1129A>G (p.T377A) alteration is located in exon 5 (coding exon 5) of the AFF2 gene. This alteration results from a A to G substitution at nucleotide position 1129, causing the threonine (T) at amino acid position 377 to be replaced by an alanine (A). Based on data from the Genome Aggregation Database (gnomAD), the AFF2 c.1129A>G alteration was not observed, with coverage at this position. This amino acid position is well conserved in available vertebrate species. The p.T377A alteration is predicted to be tolerated by in silico analysis. Based on insufficient or conflicting evidence, the clinical significance of this alteration remains unclear.

NM_002025.4(AFF2):c.1129A>G (p.Thr377Ala)

Gene: AFF2 (ALF transcription elongation factor 2; plus strand). Cytogenetic location: Xq28.
Variant type: single nucleotide variant.
Coding change: c.1129A>G on transcript NM_002025.4 (MANE Select); coding-DNA position 1129, A replaced by G.
Protein change: p.Thr377Ala; replaces threonine 377 with alanine.
Molecular consequence: missense variant. On other transcripts: intron variant (4).
Genome position (GRCh38, 1-based): chrX:148,837,689, A>G. VCF-style: chrX-148837689-A-G. GRCh37 (hg19) VCF-style: chrX-147919213-A-G.
Other names: c.1117A>G, p.Thr373Ala (NM_001169123.2); c.1087-5277A>G (NM_001169124.2); c.1075-5277A>G (NM_001169122.2, NM_001169125.2); c.97-5277A>G (NM_001170628.1); c.1129A>G (NM_002025.3); short protein forms T373A, T377A.
Identifiers: ClinVar variation 1304144 (VCV001304144.4), dbSNP rs2070544297, ClinGen allele CA414510884.